The following is an entry in ClinVar:

ClinVar aggregate classification (germline): Uncertain significance (1 of 4 stars; one submission).

Conditions:
DICER1-related tumor predisposition. Also called: DICER1-related pleuropulmonary blastoma cancer predisposition syndrome; DICER1 syndrome. Identifiers: Orphanet 284343, MedGen C3839822, MONDO:0100216.

Submission:

Labcorp Genetics (formerly Invitae), Labcorp
Classification: Uncertain significance for DICER1-related tumor predisposition. Last evaluated: 2020-08-05. Review status: criteria provided, single submitter. Criteria: Invitae Variant Classification Sherloc (09022015). Collection method: clinical testing. Allele origin: germline.
Comment: This sequence change replaces glutamic acid with alanine at codon 1797 of the DICER1 protein (p.Glu1797Ala). The glutamic acid residue is highly conserved and there is a moderate physicochemical difference between glutamic acid and alanine. This variant is not present in population databases (ExAC no frequency). In summary, the available evidence is currently insufficient to determine the role of this variant in disease. Therefore, it has been classified as a Variant of Uncertain Significance. Algorithms developed to predict the effect of missense changes on protein structure and function (SIFT, PolyPhen-2, Align-GVGD) all suggest that this variant is likely to be disruptive, but these predictions have not been confirmed by published functional studies and their clinical significance is uncertain. This variant has not been reported in the literature in individuals with DICER1-related conditions.

NM_177438.3(DICER1):c.5390A>C (p.Glu1797Ala)

Gene: DICER1 (dicer 1, ribonuclease III; minus strand). Cytogenetic location: 14q32.13.
Variant type: single nucleotide variant.
Coding change: c.5390A>C on transcript NM_177438.3 (MANE Select); coding-DNA position 5390, A replaced by C.
Protein change: p.Glu1797Ala; replaces glutamic acid 1797 with alanine.
Molecular consequence: missense variant. On other transcripts: intron variant (1).
Genome position (GRCh38, 1-based): chr14:95,091,340, T>G on the plus strand (A>C on the coding strand, the complement: DICER1 is on the minus strand). VCF-style: chr14-95091340-T-G. GRCh37 (hg19) VCF-style: chr14-95557677-T-G.
Other names: c.5390A>C, p.Glu1797Ala (NM_001271282.3, NM_001291628.2, NM_030621.4); c.5365-231A>C (NM_001195573.1); short protein forms E1797A.
Identifiers: ClinVar variation 1055540 (VCV001055540.10), dbSNP rs1889816437, ClinGen allele CA390864768.